The following is an entry in ClinVar:

ClinVar aggregate classification (germline): Uncertain significance. Review status: criteria provided, multiple submitters, no conflicts (2 of 4 stars). 2 submissions from 2 submitters: Uncertain significance (2). Last evaluated 2026-03-13.

Conditions:
Cardiovascular phenotype. Identifiers: MedGen CN230736.

Submissions (2):

Women's Health and Genetics/Laboratory Corporation of America, LabCorp
Classification: Uncertain significance. Last evaluated: 2026-03-13. Review status: criteria provided, single submitter. Criteria: LabCorp Variant Classification Summary - May 2015. Collection method: clinical testing. Allele origin: germline.
Comment: Variant summary: TNXB c.7579G>A (p.Glu2527Lys) results in a conservative amino acid change in the encoded protein sequence. Algorithms developed to predict the effect of missense changes on protein structure and function all suggest that this variant is likely to be tolerated. The variant was absent in 243096 control chromosomes. The available data on variant occurrences in the general population are insufficient to allow any conclusion about variant significance. To our knowledge, no occurrence of c.7579G>A in individuals affected with TNXB-related conditions and no experimental evidence demonstrating its impact on protein function have been reported. ClinVar contains an entry for this variant (Variation ID: 3227321). Based on the evidence outlined above, the variant was classified as uncertain significance.

Ambry Genetics
Classification: Uncertain significance for Cardiovascular phenotype. Last evaluated: 2023-11-27. Review status: criteria provided, single submitter. Criteria: Ambry Variant Classification Scheme 2023. Collection method: clinical testing. Allele origin: germline.
Comment: The p.E2527K variant (also known as c.7579G>A), located in coding exon 21 of the TNXB gene, results from a G to A substitution at nucleotide position 7579. The glutamic acid at codon 2527 is replaced by lysine, an amino acid with similar properties. This amino acid position is conserved. In addition, this alteration is predicted to be tolerated by in silico analysis. Since supporting evidence is limited at this time, the clinical significance of this alteration remains unclear.

NM_001365276.2(TNXB):c.7579G>A (p.Glu2527Lys)

Gene: TNXB (tenascin XB; minus strand). Cytogenetic location: 6p21.33.
Variant type: single nucleotide variant.
Coding change: c.7579G>A on transcript NM_001365276.2 (MANE Select); coding-DNA position 7579, G replaced by A.
Protein change: p.Glu2527Lys; replaces glutamic acid 2527 with lysine.
Molecular consequence: missense variant.
Genome position (GRCh38, 1-based): chr6:32,058,304, C>T on the plus strand (G>A on the coding strand, the complement: TNXB is on the minus strand). VCF-style: chr6-32058304-C-T. GRCh37 (hg19) VCF-style: chr6-32026081-C-T.
Other names: c.8320G>A, p.Glu2774Lys (NM_001428335.1); c.7579G>A, p.Glu2527Lys (NM_019105.8); short protein forms E2527K, E2774K.
Identifiers: ClinVar variation 3227321 (VCV003227321.2), dbSNP rs776481464, ClinGen allele CA363551600.